The following is an entry in ClinVar:

ClinVar aggregate classification (germline): Likely pathogenic (1 of 4 stars; one submission).

Submission:

Labcorp Genetics (formerly Invitae), Labcorp
Classification: Likely pathogenic. Last evaluated: 2022-07-26. Review status: criteria provided, single submitter. Criteria: Invitae Variant Classification Sherloc (09022015). Collection method: clinical testing. Allele origin: germline.
Comment: This variant is not present in population databases (gnomAD no frequency). This variant has not been reported in the literature in individuals affected with CDK5RAP2-related conditions. Algorithms developed to predict the effect of sequence changes on RNA splicing suggest that this variant may disrupt the consensus splice site. In summary, the currently available evidence indicates that the variant is pathogenic, but additional data are needed to prove that conclusively. Therefore, this variant has been classified as Likely Pathogenic. This sequence change affects a donor splice site in intron 32 of the CDK5RAP2 gene. It is expected to disrupt RNA splicing. Variants that disrupt the donor or acceptor splice site typically lead to a loss of protein function (PMID: 16199547), and loss-of-function variants in CDK5RAP2 are known to be pathogenic (PMID: 15793586, 20460369, 26436113).

Literature cited by the submitters: PubMed 16199547; PubMed 15793586; PubMed 20460369; PubMed 26436113.

NM_018249.6(CDK5RAP2):c.4963+2T>C

Gene: CDK5RAP2 (CDK5 regulatory subunit associated protein 2; minus strand). Cytogenetic location: 9q33.2.
Variant type: single nucleotide variant.
Coding change: c.4963+2T>C on transcript NM_018249.6 (MANE Select); the canonical splice donor site of the intron after coding-DNA position 4963, T replaced by C.
Molecular consequence: splice donor variant. On other transcripts: intron variant (1).
Genome position (GRCh38, 1-based): chr9:120,407,010, A>G on the plus strand (T>C on the coding strand, the complement: CDK5RAP2 is on the minus strand). VCF-style: chr9-120407010-A-G. GRCh37 (hg19) VCF-style: chr9-123169288-A-G.
Other names: c.4273+2T>C (NM_001272039.2); c.4864+2T>C (NM_001410992.1); c.4960+2T>C (NM_001410994.1); c.4867+2T>C (NM_001410993.1); c.4726+1337T>C (NM_001011649.3).
Identifiers: ClinVar variation 1924396 (VCV001924396.5), dbSNP rs2538882277, ClinGen allele CA374710723.
Genomic context (GRCh38, chr9:120,407,010, plus strand): 5'-CATGTCACACACAGATGCTCAGAGCTGCATTCTCAGCAAGTGGGGAGAGGCAGGGGCAGT[A>G]CCGTGTTTGTCAGGCTGAAGGGGCACCTCAGGGATGGACACGGCTTGGACAGCCAGAGTG-3'